The following is an entry in ClinVar:

ClinVar aggregate classification (germline): Uncertain significance (1 of 4 stars; one submission).

Conditions:
Inborn genetic diseases. Identifiers: MedGen C0950123, MeSH D030342.

Submission:

Ambry Genetics
Classification: Uncertain significance for Inborn genetic diseases. Last evaluated: 2024-07-16. Review status: criteria provided, single submitter. Criteria: Ambry Variant Classification Scheme 2023. Collection method: clinical testing. Allele origin: germline.
Comment: The p.V484I variant (also known as c.1450G>A), located in coding exon 13 of the LRRK2 gene, results from a G to A substitution at nucleotide position 1450. The valine at codon 484 is replaced by isoleucine, an amino acid with highly similar properties. This amino acid position is conserved. In addition, this alteration is predicted to be tolerated by in silico analysis. Based on the available evidence, the clinical significance of this variant remains unclear.

NM_198578.4(LRRK2):c.1450G>A (p.Val484Ile)

Gene: LRRK2 (leucine rich repeat kinase 2; plus strand). Cytogenetic location: 12q12.
Variant type: single nucleotide variant.
Coding change: c.1450G>A on transcript NM_198578.4 (MANE Select); coding-DNA position 1450, G replaced by A.
Protein change: p.Val484Ile; replaces valine 484 with isoleucine.
Molecular consequence: missense variant.
Genome position (GRCh38, 1-based): chr12:40,259,511, G>A. VCF-style: chr12-40259511-G-A. GRCh37 (hg19) VCF-style: chr12-40653313-G-A.
Other names: short protein forms V484I.
Identifiers: ClinVar variation 3540584 (VCV003540584.1).